The following is an entry in ClinVar:

NM_000535.7(PMS2):c.1449C>T (p.Asp483=)

Gene: PMS2 (PMS1 homolog 2, mismatch repair system component; minus strand). Cytogenetic location: 7p22.1.
Variant type: single nucleotide variant.
Coding change: c.1449C>T on transcript NM_000535.7 (MANE Select); coding-DNA position 1449, C replaced by T.
Protein change: p.Asp483=; no amino-acid change (aspartic acid 483 retained).
Molecular consequence: synonymous variant. On other transcripts: non-coding transcript variant (1).
Genome position (GRCh38, 1-based): chr7:5,987,316, G>A on the plus strand (C>T on the coding strand, the complement: PMS2 is on the minus strand). VCF-style: chr7-5987316-G-A. GRCh37 (hg19) VCF-style: chr7-6026947-G-A.
Other names: c.1044C>T, p.Asp348= (NM_001322003.2, NM_001322004.2, NM_001322005.2 and 1 more transcripts); c.1293C>T, p.Asp431= (NM_001322006.2); c.1131C>T, p.Asp377= (NM_001322007.2, NM_001322008.2); c.888C>T, p.Asp296= (NM_001322010.2); c.516C>T, p.Asp172= (NM_001322011.2, NM_001322012.2); c.876C>T, p.Asp292= (NM_001322013.2); c.1449C>T, p.Asp483= (NM_001322014.2); c.1140C>T, p.Asp380= (NM_001322015.2).
Identifiers: ClinVar variation 800146 (VCV000800146.12), dbSNP rs1583319929, ClinGen allele CA453746329.

ClinVar aggregate classification (germline): Benign/Likely benign. Review status: criteria provided, multiple submitters, no conflicts (2 of 4 stars). 3 submissions from 3 submitters: Benign (1); Likely benign (2). Last evaluated 2025-01-30.

Conditions:
Hereditary cancer-predisposing syndrome. Also called: Tumor predisposition; Neoplastic Syndromes, Hereditary; Hereditary Cancer Syndrome; Hereditary neoplastic syndrome. Identifiers: Orphanet 140162, MedGen C0027672, MeSH D009386, MONDO:0015356.
Lynch syndrome 4 (LYNCH4). Also called: Hereditary non-polyposis colorectal cancer, type 4; Colorectal cancer, hereditary nonpolyposis, type 4. Identifiers: Orphanet 144, MedGen C1838333, MONDO:0013699, OMIM 614337. Disease mechanism: loss of function.
Hereditary nonpolyposis colorectal neoplasms. Identifiers: MedGen C0009405, MeSH D003123.

Submissions (3):

Myriad Genetics, Inc.
Classification: Benign for Lynch syndrome 4. Last evaluated: 2025-01-30. Review status: criteria provided, single submitter. Criteria: Myriad Autosomal Dominant, Autosomal Recessive and X-Linked Classification Criteria (2023). Collection method: clinical testing. Allele origin: unknown.
Comment: This variant is considered benign. This variant is a silent/synonymous amino acid change and it is not expected to impact splicing.

Ambry Genetics
Classification: Likely benign for Hereditary cancer-predisposing syndrome. Last evaluated: 2023-09-05. Review status: criteria provided, single submitter. Criteria: Ambry Variant Classification Scheme 2023. Collection method: clinical testing. Allele origin: germline.

Labcorp Genetics (formerly Invitae), Labcorp
Classification: Likely benign for Hereditary nonpolyposis colorectal neoplasms. Last evaluated: 2021-12-02. Review status: criteria provided, single submitter. Criteria: Invitae Variant Classification Sherloc (09022015). Collection method: clinical testing. Allele origin: germline.